The following is an entry in ClinVar:

ClinVar aggregate classification (germline): Uncertain significance. Review status: criteria provided, multiple submitters, no conflicts (2 of 4 stars). 2 submissions from 2 submitters: Uncertain significance (2). Last evaluated 2025-07-22.

Conditions:
DICER1-related tumor predisposition. Also called: DICER1 syndrome; DICER1-related pleuropulmonary blastoma cancer predisposition syndrome. Identifiers: Orphanet 284343, MedGen C3839822, MONDO:0100216.
Hereditary cancer-predisposing syndrome. Also called: Hereditary neoplastic syndrome; Neoplastic Syndromes, Hereditary; Hereditary Cancer Syndrome; Tumor predisposition. Identifiers: Orphanet 140162, MedGen C0027672, MeSH D009386, MONDO:0015356.

Submissions (2):

Ambry Genetics
Classification: Uncertain significance for Hereditary cancer-predisposing syndrome. Last evaluated: 2025-07-22. Review status: criteria provided, single submitter. Criteria: Ambry Variant Classification Scheme 2023. Collection method: clinical testing. Allele origin: germline.
Comment: The c.2497_2499delAAG variant (also known as p.K833del) is located in coding exon 15 of the DICER1 gene. This variant results from an in-frame AAG deletion at nucleotide positions 2497 to 2499. This results in the in-frame deletion of a lysine at codon 833. This amino acid position is highly conserved in available vertebrate species. In addition, the in silico prediction for this alteration is inconclusive (Choi Y et al. PLoS ONE. 2012; 7(10):e46688). Since supporting evidence is limited at this time, the clinical significance of this alteration remains unclear.

Labcorp Genetics (formerly Invitae), Labcorp
Classification: Uncertain significance for DICER1-related tumor predisposition. Last evaluated: 2023-08-10. Review status: criteria provided, single submitter. Criteria: Invitae Variant Classification Sherloc (09022015). Collection method: clinical testing. Allele origin: germline.
Comment: This variant, c.2497_2499del, results in the deletion of 1 amino acid(s) of the DICER1 protein (p.Lys833del), but otherwise preserves the integrity of the reading frame. This variant is not present in population databases (gnomAD no frequency). This variant has not been reported in the literature in individuals affected with DICER1-related conditions. ClinVar contains an entry for this variant (Variation ID: 568953). Experimental studies and prediction algorithms are not available or were not evaluated, and the functional significance of this variant is currently unknown. Algorithms developed to predict the effect of sequence changes on RNA splicing suggest that this variant may disrupt the consensus splice site. In summary, the available evidence is currently insufficient to determine the role of this variant in disease. Therefore, it has been classified as a Variant of Uncertain Significance.

NM_177438.3(DICER1):c.2494AAG[1] (p.Lys833del)

Gene: DICER1 (dicer 1, ribonuclease III; minus strand). Cytogenetic location: 14q32.13.
Variant type: Microsatellite.
Coding change: c.2494AAG[1] on transcript NM_177438.3 (MANE Select); one copy of the 3-base unit AAG starting at c.2494; the reference has two copies in a row; one copy, 3 bases deleted.
Protein change: p.Lys833del; deletes lysine 833.
Molecular consequence: inframe deletion.
Genome position (GRCh38, 1-based): chr14:95,108,031-95,108,033, CTT deleted on the plus strand (AAG on the coding strand, the reverse complement: DICER1 is on the minus strand); deleting any 3 consecutive bases within chr14:95,108,031-95,108,037 gives the same sequence; the position shown is the placement nearest the transcript's 3' end. VCF-style (leftmost placement, unchanged base first): chr14-95108030-ACTT-A. GRCh37 (hg19) VCF-style: chr14-95574367-ACTT-A.
Other names: c.2497_2499delAAG (NM_177438.2); c.2494AAG[1], p.Lys833del (NM_001195573.1, NM_001271282.3, NM_001291628.2 and 1 more transcripts); short protein forms K833del.
Identifiers: ClinVar variation 568953 (VCV000568953.15), dbSNP rs1566777030, ClinGen allele CA891844307.